The following is an entry in ClinVar:

NM_006270.5(RRAS):c.241+6G>A

Gene: RRAS (RAS related; minus strand). Cytogenetic location: 19q13.33.
Variant type: single nucleotide variant.
Coding change: c.241+6G>A on transcript NM_006270.5 (MANE Select); 6 bases into the intron after coding-DNA position 241, G replaced by A.
Molecular consequence: intron variant.
Genome position (GRCh38, 1-based): chr19:49,637,037, C>T on the plus strand (G>A on the coding strand, the complement: RRAS is on the minus strand). VCF-style: chr19-49637037-C-T. GRCh37 (hg19) VCF-style: chr19-50140294-C-T.
Identifiers: ClinVar variation 1037258 (VCV001037258.6), dbSNP rs925991568, ClinGen allele CA309506254.

ClinVar aggregate classification (germline): Uncertain significance (1 of 4 stars; one submission).

Conditions:
Noonan syndrome (NS). Also called: Noonan's syndrome. Identifiers: Orphanet 648, MedGen C0028326, MeSH D009634, MONDO:0018997. Disease mechanism: gain of function.

Allele frequency attached by ClinVar (database versions not stated): TOPMed below 0.00001.

Submission:

Labcorp Genetics (formerly Invitae), Labcorp
Classification: Uncertain significance for Noonan syndrome. Last evaluated: 2020-08-20. Review status: criteria provided, single submitter. Criteria: Invitae Variant Classification Sherloc (09022015). Collection method: clinical testing. Allele origin: germline.
Comment: This sequence change falls in intron 2 of the RRAS gene. It does not directly change the encoded amino acid sequence of the RRAS protein, but it affects a nucleotide within the consensus splice site of the intron. This variant is not present in population databases (ExAC no frequency). This variant has not been reported in the literature in individuals with RRAS-related conditions. Nucleotide substitutions within the consensus splice site are a relatively common cause of aberrant splicing (PMID: 17576681, 9536098). Algorithms developed to predict the effect of sequence changes on RNA splicing suggest that this variant is not likely to affect RNA splicing, but this prediction has not been confirmed by published transcriptional studies. In summary, the available evidence is currently insufficient to determine the role of this variant in disease. Therefore, it has been classified as a Variant of Uncertain Significance.

Literature cited by the submitters: PubMed 17576681; PubMed 9536098.